The following is an entry in ClinVar:

NM_001943.5(DSG2):c.2888T>C (p.Val963Ala)

Genes: DSG2 (desmoglein 2; plus strand), DSG2-AS1 (DSG2 antisense RNA 1; minus strand). Cytogenetic location: 18q12.1.
Variant type: single nucleotide variant.
Coding change: c.2888T>C on transcript NM_001943.5 (MANE Select); coding-DNA position 2888, T replaced by C.
Protein change: p.Val963Ala; replaces valine 963 with alanine.
Molecular consequence: missense variant.
Genome position (GRCh38, 1-based): chr18:31,546,274, T>C. VCF-style: chr18-31546274-T-C. GRCh37 (hg19) VCF-style: chr18-29126237-T-C.
Other names: short protein forms V963A.
Identifiers: ClinVar variation 3894094 (VCV003894094.1).
Genomic context (GRCh38, chr18:31,546,274, plus strand): 5'-GGTCCACTATGCCACCAACCACTGTGATCCTGGGTCCTAGCCAGCCACAGAGCCTTATTG[T>C]GACAGAGAGGGTGTATGCTCCAGCTTCTACCTTGGTAGATCAGCCTTATGCTAATGAAGG-3'
Protein context (NP_001934.2, residues 953-973): LGPSQPQSLI[Val963Ala]TERVYAPAST

ClinVar aggregate classification (germline): Uncertain significance (1 of 4 stars; one submission).

Conditions:
Cardiomyopathy (CMYO). Also called: Cardiomyopathies. Identifiers: Orphanet 167848, MedGen C0878544, MONDO:0004994, HP:0001638. Inheritance: Various modes of inheritance.

gnomAD v4.1: 1 of 1,602,660 alleles (0.000062%); highest among the groups gnomAD compares: Non-Finnish European, 0.000085%; no homozygotes.

Submission:

Color Diagnostics, LLC DBA Color Health
Classification: Uncertain significance for Cardiomyopathy. Last evaluated: 2024-09-08. Review status: criteria provided, single submitter. Criteria: ACMG Guidelines, 2015. Collection method: clinical testing. Allele origin: germline.
Comment: This missense variant replaces valine with alanine at codon 963 of the DSG2 protein. Computational prediction suggests that this variant may have deleterious impact on protein structure and function (internally defined REVEL score threshold >= 0.7, PMID: 27666373). To our knowledge, functional studies have not been reported for this variant. This variant has not been reported in individuals affected with DSG2-related disorders in the literature. This variant has not been identified in the general population by the Genome Aggregation Database (gnomAD). The available evidence is insufficient to determine the role of this variant in disease conclusively. Therefore, this variant is classified as a Variant of Uncertain Significance.